The following is an entry in ClinVar:

ClinVar aggregate classification (germline): Likely benign (1 of 4 stars; one submission).

Conditions:
KCNQ1-related disorder. Also called: KCNQ1-related condition; KCNQ1-related disorders. Identifiers: MedGen CN239322.

Submission:

PreventionGenetics, part of Exact Sciences
Classification: Likely benign for KCNQ1-related condition. Last evaluated: 2024-12-10. Review status: criteria provided, single submitter. Criteria: ACMG Guidelines, 2015. Collection method: clinical testing. Allele origin: germline.
Comment: This variant is classified as likely benign based on ACMG/AMP sequence variant interpretation guidelines (Richards et al. 2015 PMID: 25741868, with internal and published modifications).

NM_000218.3(KCNQ1):c.1394-24790C>T

Genes: KCNQ1 (potassium voltage-gated channel subfamily Q member 1; plus strand), KCNQ1OT1 (KCNQ1 opposite strand/antisense transcript 1; minus strand). Cytogenetic location: 11p15.5.
Variant type: single nucleotide variant.
Coding change: c.1394-24790C>T on transcript NM_000218.3 (MANE Select); 24790 bases into the intron before coding-DNA position 1394, C replaced by T.
Molecular consequence: intron variant. On other transcripts: non-coding transcript variant (1).
Genome position (GRCh38, 1-based): chr11:2,637,171, C>T. VCF-style: chr11-2637171-C-T. GRCh37 (hg19) VCF-style: chr11-2658401-C-T.
Other names: c.1124-24790C>T (NM_001406837.1); c.1298-24790C>T (NM_001406836.1); c.854-24790C>T (NM_001406838.1); c.1013-24790C>T (NM_181798.2).
Identifiers: ClinVar variation 4984040 (VCV004984040.1).